The following is an entry in ClinVar:

NM_000979.4(RPL18):c.539G>A (p.Arg180Gln)

Gene: RPL18 (ribosomal protein L18; minus strand). Cytogenetic location: 19q13.33.
Variant type: single nucleotide variant.
Coding change: c.539G>A on transcript NM_000979.4 (MANE Select); coding-DNA position 539, G replaced by A.
Protein change: p.Arg180Gln; replaces arginine 180 with glutamine.
Molecular consequence: missense variant. On other transcripts: non-coding transcript variant (1).
Genome position (GRCh38, 1-based): chr19:48,615,400, C>T on the plus strand (G>A on the coding strand, the complement: RPL18 is on the minus strand). VCF-style: chr19-48615400-C-T. GRCh37 (hg19) VCF-style: chr19-49118657-C-T.
Other names: c.452G>A, p.Arg151Gln (NM_001270490.2); short protein forms R151Q, R180Q.
Identifiers: ClinVar variation 2416443 (VCV002416443.6), dbSNP rs758912189, ClinGen allele CA9553947.

ClinVar aggregate classification (germline): Uncertain significance (1 of 4 stars; one submission).

Allele frequency attached by ClinVar (database versions not stated): TOPMed below 0.00001; gnomAD exomes 0.00001; ExAC 0.00002.
gnomAD v4.1: 3 of 1,612,916 alleles (0.00019%); highest among the groups gnomAD compares: East Asian, 0.0022%; no homozygotes.

Submission:

Labcorp Genetics (formerly Invitae), Labcorp
Classification: Uncertain significance. Last evaluated: 2024-06-04. Review status: criteria provided, single submitter. Criteria: Invitae Variant Classification Sherloc (09022015). Collection method: clinical testing. Allele origin: germline.
Comment: This sequence change replaces arginine, which is basic and polar, with glutamine, which is neutral and polar, at codon 180 of the RPL18 protein (p.Arg180Gln). This variant is present in population databases (rs758912189, gnomAD 0.01%). This variant has not been reported in the literature in individuals affected with RPL18-related conditions. ClinVar contains an entry for this variant (Variation ID: 2416443). An algorithm developed to predict the effect of missense changes on protein structure and function (PolyPhen-2) suggests that this variant is likely to be tolerated. In summary, the available evidence is currently insufficient to determine the role of this variant in disease. Therefore, it has been classified as a Variant of Uncertain Significance.